The following is an entry in ClinVar:

NM_002471.4(MYH6):c.4512C>A (p.Asn1504Lys)

Gene: MYH6 (myosin heavy chain 6; minus strand). Cytogenetic location: 14q11.2.
Variant type: single nucleotide variant.
Coding change: c.4512C>A on transcript NM_002471.4 (MANE Select); coding-DNA position 4512, C replaced by A.
Protein change: p.Asn1504Lys; replaces asparagine 1504 with lysine.
Molecular consequence: missense variant.
Genome position (GRCh38, 1-based): chr14:23,387,771, G>T on the plus strand (C>A on the coding strand, the complement: MYH6 is on the minus strand). VCF-style: chr14-23387771-G-T. GRCh37 (hg19) VCF-style: chr14-23856980-G-T.
Other names: short protein forms N1504K.
Identifiers: ClinVar variation 1741136 (VCV001741136.5), dbSNP rs1566506490, ClinGen allele CA388996948.
Genomic context (GRCh38, chr14:23,387,771, plus strand): 5'-CCTCCCTCCCACCAACTCATCTCTGGCCTCTTGGACCCCCAGCACACCCTGAAGGTTCTT[G>T]TTCTCCCGCTTGAAGGTCTCTAGGTGCTCCAGGGACTCCTCGTAGGCGTTCTTGAGCTTG-3'
Protein context (NP_002462.2, residues 1494-1514): LEHLETFKRE[Asn1504Lys]KNLQEEISDL

ClinVar aggregate classification (germline): Uncertain significance. Review status: criteria provided, multiple submitters, no conflicts (2 of 4 stars). 2 submissions from 2 submitters: Uncertain significance (2). Last evaluated 2023-10-24.

Conditions:
Hypertrophic cardiomyopathy 14. Identifiers: MedGen C2750467, MONDO:0013197, OMIM 613251.
Cardiovascular phenotype. Identifiers: MedGen CN230736.

gnomAD v4.1: 1 of 1,614,002 alleles (0.000062%); highest among the groups gnomAD compares: African/African-American, 0.0013%; no homozygotes.

Submissions (2):

Labcorp Genetics (formerly Invitae), Labcorp
Classification: Uncertain significance for Hypertrophic cardiomyopathy 14. Last evaluated: 2023-10-24. Review status: criteria provided, single submitter. Criteria: Invitae Variant Classification Sherloc (09022015). Collection method: clinical testing. Allele origin: germline.
Comment: This sequence change replaces asparagine, which is neutral and polar, with lysine, which is basic and polar, at codon 1504 of the MYH6 protein (p.Asn1504Lys). This variant is not present in population databases (gnomAD no frequency). This variant has not been reported in the literature in individuals affected with MYH6-related conditions. ClinVar contains an entry for this variant (Variation ID: 1741136). Advanced modeling of protein sequence and biophysical properties (such as structural, functional, and spatial information, amino acid conservation, physicochemical variation, residue mobility, and thermodynamic stability) performed at Invitae indicates that this missense variant is not expected to disrupt MYH6 protein function with a negative predictive value of 80%. In summary, the available evidence is currently insufficient to determine the role of this variant in disease. Therefore, it has been classified as a Variant of Uncertain Significance.

Ambry Genetics
Classification: Uncertain significance for Cardiovascular phenotype. Last evaluated: 2021-12-08. Review status: criteria provided, single submitter. Criteria: Ambry Variant Classification Scheme 2023. Collection method: clinical testing. Allele origin: germline.
Comment: The p.N1504K variant (also known as c.4512C>A), located in coding exon 29 of the MYH6 gene, results from a C to A substitution at nucleotide position 4512. The asparagine at codon 1504 is replaced by lysine, an amino acid with similar properties. This amino acid position is conserved. In addition, the in silico prediction for this alteration is inconclusive. Since supporting evidence is limited at this time, the clinical significance of this alteration remains unclear.